The following is an entry in ClinVar:

NM_004415.4(DSP):c.1150G>C (p.Glu384Gln)

Gene: DSP (desmoplakin; plus strand). Cytogenetic location: 6p24.3.
Variant type: single nucleotide variant.
Coding change: c.1150G>C on transcript NM_004415.4 (MANE Select); coding-DNA position 1150, G replaced by C.
Protein change: p.Glu384Gln; replaces glutamic acid 384 with glutamine.
Molecular consequence: missense variant.
Genome position (GRCh38, 1-based): chr6:7,567,790, G>C. VCF-style: chr6-7567790-G-C. GRCh37 (hg19) VCF-style: chr6-7568023-G-C.
Other names: c.1150G>C, p.Glu384Gln (NM_001008844.3, NM_001319034.2); short protein forms E384Q.
Identifiers: ClinVar variation 924903 (VCV000924903.3), dbSNP rs1758908778, ClinGen allele CA362675938.

ClinVar aggregate classification (germline): Uncertain significance (1 of 4 stars; one submission).

Conditions:
Cardiomyopathy (CMYO). Also called: Cardiomyopathies. Identifiers: Orphanet 167848, MedGen C0878544, MONDO:0004994, HP:0001638. Inheritance: Various modes of inheritance.

Submission:

Color Diagnostics, LLC DBA Color Health
Classification: Uncertain significance for Cardiomyopathy. Last evaluated: 2018-11-28. Review status: criteria provided, single submitter. Criteria: ACMG Guidelines, 2015. Collection method: clinical testing. Allele origin: germline.
Comment: Variant of Uncertain Significance due to insufficient evidence: This missense variant is located in the spectrin repeat 5 of the plakin domain of the DSP protein. Computational prediction tools and conservation analyses suggest that this variant may have deleterious impact on the protein function. Computational splicing tools suggest that this variant may not impact RNA splicing. To our knowledge, functional assays have not been performed for this variant nor has this variant been reported in individuals affected with cardiovascular disorders in the literature. This variant is rare in the general population and has been identified in 0/277264 chromosomes by the Genome Aggregation Database (gnomAD). Available evidence is insufficient to determine the pathogenicity of this variant conclusively.